The following is an entry in ClinVar:

ClinVar aggregate classification (germline): Pathogenic. Review status: criteria provided, multiple submitters, no conflicts (2 of 4 stars). 3 submissions from 3 submitters: Pathogenic (3). Last evaluated 2025-01-22.

Conditions:
PHEX-related disorder. Also called: PHEX-related condition.
Familial X-linked hypophosphatemic vitamin D refractory rickets (XLHRD). Also called: X-Linked Hypophosphatemia; Hypophosphatemia, vitamin D-resistant rickets; Vitamin D-resistant rickets, X-linked; HYPOPHOSPHATEMIC VITAMIN D-RESISTANT RICKETS; Hypophosphatemic Rickets, X-Linked Dominant. Identifiers: Orphanet 89936, MedGen C0733682, MONDO:0010619, OMIM 307800.

Submissions (3):

Women's Health and Genetics/Laboratory Corporation of America, LabCorp
Classification: Pathogenic for Familial X-linked hypophosphatemic vitamin D refractory rickets. Last evaluated: 2025-01-22. Review status: criteria provided, single submitter. Criteria: LabCorp Variant Classification Summary - May 2015. Collection method: clinical testing. Allele origin: germline.
Comment: Variant summary: PHEX c.849+1G>T is located in a canonical splice-site and is predicted to affect mRNA splicing resulting in a significantly altered protein due to either exon skipping, shortening, or inclusion of intronic material. Variants that disrupt the consensus splice site are a relatively common cause of aberrant splicing and loss of PHEX function. Several computational tools predict a significant impact on normal splicing: Four predict the variant abolishes a canonical 5' splicing donor site. However, these predictions have yet to be confirmed by functional studies. The variant was absent in 182854 control chromosomes. c.849+1G>T has been reported in the literature in individuals affected with X-Linked Hypophosphatemic Rickets (examples: Rowe_1997, Gaucher_2009, Ruppe_2012). These data indicate that the variant is likely to be associated with disease.The following publications have been ascertained in the context of this evaluation (PMID: 9097956, 21050253, 19219621). ClinVar contains an entry for this variant (Variation ID: 1408809). Based on the evidence outlined above, the variant was classified as pathogenic.

Blueprint Genetics
Classification: Pathogenic for PHEX-related disorders. Last evaluated: 2024-01-22. Review status: criteria provided, single submitter. Criteria: ACMG Guidelines, 2015. Collection method: clinical testing. Allele origin: germline. Affected: yes. Observed: 2 variant alleles.

Labcorp Genetics (formerly Invitae), Labcorp
Classification: Pathogenic. Last evaluated: 2023-11-15. Review status: criteria provided, single submitter. Criteria: Invitae Variant Classification Sherloc (09022015). Collection method: clinical testing. Allele origin: germline.
Comment: This sequence change affects a donor splice site in intron 7 of the PHEX gene. It is expected to disrupt RNA splicing. Variants that disrupt the donor or acceptor splice site typically lead to a loss of protein function (PMID: 16199547), and loss-of-function variants in PHEX are known to be pathogenic (PMID: 9097956, 9106524, 19219621). This variant is not present in population databases (gnomAD no frequency). Disruption of this splice site has been observed in individual(s) with X-linked hypophosphatemia (PMID: 9097956, 27840894). ClinVar contains an entry for this variant (Variation ID: 1408809). Algorithms developed to predict the effect of sequence changes on RNA splicing suggest that this variant may disrupt the consensus splice site. For these reasons, this variant has been classified as Pathogenic.

Literature cited by the submitters: PubMed 9097956 (cited by Women's Health and Genetics/Laboratory Corporation of America, LabCorp and Labcorp Genetics (formerly Invitae), Labcorp); PubMed 21050253 (cited by Women's Health and Genetics/Laboratory Corporation of America, LabCorp); PubMed 19219621 (cited by Women's Health and Genetics/Laboratory Corporation of America, LabCorp and Labcorp Genetics (formerly Invitae), Labcorp); PubMed 16199547 (cited by Labcorp Genetics (formerly Invitae), Labcorp); PubMed 9106524 (cited by Labcorp Genetics (formerly Invitae), Labcorp); PubMed 27840894 (cited by Labcorp Genetics (formerly Invitae), Labcorp).

NM_000444.6(PHEX):c.849+1G>T

Gene: PHEX (phosphate regulating endopeptidase X-linked; plus strand). Cytogenetic location: Xp22.11.
Variant type: single nucleotide variant.
Coding change: c.849+1G>T on transcript NM_000444.6 (MANE Select); the canonical splice donor site of the intron after coding-DNA position 849, G replaced by T.
Molecular consequence: splice donor variant.
Genome position (GRCh38, 1-based): chrX:22,094,100, G>T. VCF-style: chrX-22094100-G-T. GRCh37 (hg19) VCF-style: chrX-22112218-G-T.
Other names: c.849+1G>T (NM_001282754.2).
Identifiers: ClinVar variation 1408809 (VCV001408809.9), dbSNP rs1057521144, ClinGen allele CA412572516.
Genomic context (GRCh38, chrX:22,094,100, plus strand): 5'-AGTTCCAGAGCAGAGCATGACATGAAGTCAGTGCTCAGATTGGAAATTAAGATAGCTGAG[G>T]TAAGTCTTCACTGAAAATCTCTTTCTTTCCTTTACTTTCTTTTCTTTTCCTTTACTTTCT-3'